The following is an entry in ClinVar:

NM_000141.5(FGFR2):c.777A>C (p.Gln259His)

Gene: FGFR2 (fibroblast growth factor receptor 2; minus strand). Cytogenetic location: 10q26.13.
Variant type: single nucleotide variant.
Coding change: c.777A>C on transcript NM_000141.5 (MANE Select); coding-DNA position 777, A replaced by C.
Protein change: p.Gln259His; replaces glutamine 259 with histidine.
Molecular consequence: missense variant. On other transcripts: non-coding transcript variant (1), intron variant (1).
Genome position (GRCh38, 1-based): chr10:121,520,141, T>G on the plus strand (A>C on the coding strand, the complement: FGFR2 is on the minus strand). VCF-style: chr10-121520141-T-G. GRCh37 (hg19) VCF-style: chr10-123279655-T-G.
Other names: c.777A>C, p.Gln259His (NM_001144913.1, NM_001144917.2, NM_001320658.2 and 2 more transcripts); c.510A>C, p.Gln170His (NM_001144915.2, NM_001144919.2, NM_001441088.1 and 2 more transcripts); c.432A>C, p.Gln144His (NM_001144916.2, NM_001144918.2, NM_001441090.1 and 1 more transcripts); c.93A>C, p.Gln31His (NM_001320654.2); c.749-4822A>C (NM_001144914.1); short protein forms Q144H, Q170H, Q259H, Q31H.
Identifiers: ClinVar variation 4536378 (VCV004536378.1).

ClinVar aggregate classification (germline): Uncertain significance (1 of 4 stars; one submission).

Submission:

GeneDx
Classification: Uncertain significance. Last evaluated: 2025-05-29. Review status: criteria provided, single submitter. Criteria: GeneDx Variant Classification Process June 2021. Collection method: clinical testing. Allele origin: germline. Affected: yes.
Comment: Not observed at significant frequency in large population cohorts (gnomAD); In silico analysis supports that this missense variant has a deleterious effect on protein structure/function; Has not been previously published as pathogenic or benign to our knowledge; This variant is associated with the following publications: (PMID: 11781872, 29230096)